The following is an entry in ClinVar:

ClinVar aggregate classification (germline): Benign/Likely benign. Review status: criteria provided, multiple submitters, no conflicts (2 of 4 stars). 5 submissions from 5 submitters: Benign (4); Likely benign (1). Last evaluated 2026-02-01.

Conditions:
Linear nevus sebaceous syndrome. Also called: SFM SYNDROME; Sebaceous nevus syndrome and hemimegalencephaly; Nevus, Sebaceous of Jadassohn; Linear nevus sebaceous; SCHIMMELPENNING-FEUERSTEIN-MIMS SYNDROME, SOMATIC MOSAIC; JADASSOHN NEVUS PHAKOMATOSIS. Identifiers: Orphanet 2612, MedGen C4552097, MONDO:0008097, OMIM 163200, HP:0010817.
Cardiofaciocutaneous syndrome 2 (CFC2). Also called: KRAS-Related Cardiofaciocutaneous Syndrome. Identifiers: Orphanet 1340, MedGen C3809005, MONDO:0014112, OMIM 615278.
Noonan syndrome 3 (NS3). Also called: KRAS-Related Noonan Syndrome. Identifiers: Orphanet 648, MedGen C1860991, MONDO:0012371, OMIM 609942.
Toriello-Lacassie-Droste syndrome. Identifiers: Orphanet 3339, MedGen C1838329, MONDO:0010854, OMIM 600268.
Cerebral arteriovenous malformation (BAVM). Also called: Arteriovenous malformations of the brain; CEREBRAL ARTERIOVENOUS MALFORMATIONS. Identifiers: Orphanet 46724, MedGen C0917804, MONDO:0007154, OMIM 108010, HP:0002408.
Malignant tumor of urinary bladder. Also called: Bladder cancer; Urinary Bladder Neoplasms; Urinary bladder cancer. Identifiers: MedGen C0005684, MONDO:0001187, OMIM 109800.
Carcinoma of pancreas. Also called: Pancreatic cancer, somatic; Pancreatic carcinoma, somatic; PANCREATIC ACINAR CARCINOMA; PANCREATIC CARCINOMA; Exocrine pancreatic carcinoma. Identifiers: Orphanet 1333, Orphanet 217074, MedGen C0235974, MONDO:0005192. Disease mechanism: loss of function.
Gastric cancer. Also called: Malignant tumor of stomach; Stomach cancer. Identifiers: MedGen C0024623, MeSH D013274, MONDO:0001056, OMIM 613659, HP:0012126.
Autoimmune lymphoproliferative syndrome type 4. Also called: AUTOIMMUNE LYMPHOPROLIFERATIVE SYNDROME, TYPE IV; RAS-associated autoimmune leukoproliferative disorder. Identifiers: Orphanet 268114, MedGen C2674723, MONDO:0013767, OMIM 614470.
Acute myeloid leukemia (AML). Also called: Leukemia, acute myeloid, somatic; Leukemia, acute myelogenous, somatic; Acute myeloid leukemia, adult; AML adult; Acute non-lymphocytic leukemia; Acute granulocytic leukemia. Identifiers: Orphanet 519, MedGen C0023467, MeSH D015470, MONDO:0018874, OMIM 601626, HP:0004808. Disease mechanism: Constitutively activated FLT3.
Lung cancer. Also called: Malignant tumor of lung; Lung cancer, somatic. Identifiers: MedGen C0242379, MONDO:0008903, OMIM 211980.
Familial cancer of breast. Also called: hereditary breast carcinoma; BREAST CANCER, FAMILIAL; Hereditary breast cancer. Identifiers: Orphanet 227535, MedGen C0346153, MONDO:0016419, OMIM 114480. Disease mechanism: loss of function.
RASopathy. Also called: rasopathies; Noonan spectrum disorder. Identifiers: Orphanet 536391, MedGen C5555857, MONDO:0021060.

Allele frequency attached by ClinVar (database versions not stated): 1000 Genomes Project 30x 0.00016; 1000 Genomes Project 0.00020; ESP Exome Variant Server 0.00062; gnomAD 0.00089 and 0.00100; TOPMed 0.00101.
gnomAD v4.1: 260 of 1,586,470 alleles (0.016%); highest among the groups gnomAD compares: African/African-American, 0.33%; no homozygotes.

Submissions (5):

Labcorp Genetics (formerly Invitae), Labcorp
Classification: Benign for RASopathy. Last evaluated: 2026-02-01. Review status: criteria provided, single submitter. Criteria: Invitae Variant Classification Sherloc (09022015). Collection method: clinical testing. Allele origin: germline.

Blueprint Genetics
Classification: Benign. Last evaluated: 2024-11-19. Review status: criteria provided, single submitter. Criteria: ACMG Guidelines, 2015. Collection method: clinical testing. Allele origin: germline.

ARUP Laboratories, Molecular Genetics and Genomics, ARUP Laboratories
Classification: Benign. Last evaluated: 2023-12-07. Review status: criteria provided, single submitter. Criteria: ARUP Molecular Germline Variant Investigation Process 2024. Collection method: clinical testing. Allele origin: germline.

Fulgent Genetics
Classification: Likely benign for Cerebral arteriovenous malformation; Malignant tumor of urinary bladder; Familial cancer of breast; Linear nevus sebaceous syndrome; Lung cancer; Familial pancreatic carcinoma; Toriello-Lacassie-Droste syndrome; Acute myeloid leukemia; Noonan syndrome 3; Gastric cancer; Autoimmune lymphoproliferative syndrome type 4; Cardiofaciocutaneous syndrome 2. Last evaluated: 2021-10-11. Review status: criteria provided, single submitter. Criteria: ACMG Guidelines, 2015. Collection method: clinical testing. Allele origin: unknown.

GeneDx
Classification: Benign. Last evaluated: 2016-06-28. Review status: criteria provided, single submitter. Criteria: GeneDx Variant Classification (06012015). Collection method: clinical testing. Allele origin: germline. Affected: yes.
Comment: This variant is considered likely benign or benign based on one or more of the following criteria: it is a conservative change, it occurs at a poorly conserved position in the protein, it is predicted to be benign by multiple in silico algorithms, and/or has population frequency not consistent with disease.

NM_033360.4(KRAS):c.5-18A>G

Gene: KRAS (KRas proto-oncogene, GTPase; minus strand). Cytogenetic location: 12p12.1.
Variant type: single nucleotide variant.
Coding change: c.5-18A>G on transcript NM_033360.4 (MANE Plus Clinical); 18 bases into the intron before coding-DNA position 5, A replaced by G.
Molecular consequence: intron variant.
Genome position (GRCh38, 1-based): chr12:25,209,929, T>C on the plus strand (A>G on the coding strand, the complement: KRAS is on the minus strand). VCF-style: chr12-25209929-T-C. GRCh37 (hg19) VCF-style: chr12-25362863-T-C.
Other names: c.5-18A>G (LRG_344t2, NM_001369786.1); c.451-18A>G (LRG_344t1, NM_001369787.1, NM_004985.5); c.*5-18A>G (NM_033360.4).
Identifiers: ClinVar variation 379556 (VCV000379556.12), dbSNP rs200189105, ClinGen allele CA6486832.